The following is an entry in ClinVar:

ClinVar aggregate classification (germline): Uncertain significance (1 of 4 stars; one submission).

Conditions:
Tibial muscular dystrophy (TMD). Also called: UDD MYOPATHY; Tibial muscular dystrophy, tardive; Udd Distal Myopathy – Tibial Muscular Dystrophy. Identifiers: Orphanet 609, MedGen C1838244, MONDO:0010870, OMIM 600334.

Submission:

Center for Human Genetics and Genomic Medicine, Uniklinik Rwth Aachen
Classification: Uncertain significance for Tibial muscular dystrophy. Last evaluated: 2021-12-23. Review status: criteria provided, single submitter. Criteria: ACMG Guidelines, 2015. Collection method: clinical testing. Allele origin: paternal. Inheritance: Autosomal dominant inheritance. Affected: yes. Observed: 1 heterozygote.
Comment: The variant is not present in databases nor has it been reported in the literature. It was detected in a father and a son both affected by neuromuscular disease. It affects the predominant titin isoform in skeletal muscle. However, it is regarded as a variant of uncertain significance.

NM_001267550.2(TTN):c.99877_99878delinsGT (p.Lys33293Val)

Genes: TTN (titin; minus strand), TTN-AS1 (TTN antisense RNA 1; plus strand), LOC126806420 (BRD4-independent group 4 enhancer GRCh37_chr2:179401104-179402303; plus strand). Cytogenetic location: 2q31.2.
Variant type: Indel.
Coding change: c.99877_99878delinsGT on transcript NM_001267550.2 (MANE Select); coding-DNA positions 99877 to 99878, AA replaced by GT.
Protein change: p.Lys33293Val; replaces lysine 33293 with valine.
Molecular consequence: missense variant.
Genome position (GRCh38, 1-based): chr2:178,537,231-178,537,232, TT replaced by AC on the plus strand (AA replaced by GT on the coding strand, the reverse complement: TTN is on the minus strand). VCF-style: chr2-178537231-TT-AC. GRCh37 (hg19) VCF-style: chr2-179401958-TT-AC.
Other names: c.94954_94955delinsGT, p.Lys31652Val (NM_001256850.1); c.72682_72683delinsGT, p.Lys24228Val (NM_003319.4); c.92173_92174delinsGT, p.Lys30725Val (NM_133378.4); c.73057_73058delinsGT, p.Lys24353Val (NM_133432.3); c.73258_73259delinsGT, p.Lys24420Val (NM_133437.4); short protein forms K24228V, K24353V, K24420V, K30725V, K31652V, K33293V.
Identifiers: ClinVar variation 1328974 (VCV001328974.3), dbSNP rs2154138101, ClinGen allele CA2573051770.